The following is an entry in ClinVar:

NM_000059.4(BRCA2):c.7994A>T (p.Asp2665Val)

Gene: BRCA2 (BRCA2 DNA repair associated; plus strand). Cytogenetic location: 13q13.1.
Variant type: single nucleotide variant.
Coding change: c.7994A>T on transcript NM_000059.4 (MANE Select); coding-DNA position 7994, A replaced by T.
Protein change: p.Asp2665Val; replaces aspartic acid 2665 with valine.
Molecular consequence: missense variant.
Genome position (GRCh38, 1-based): chr13:32,363,196, A>T. VCF-style: chr13-32363196-A-T. GRCh37 (hg19) VCF-style: chr13-32937333-A-T.
Other names: short protein forms D2665V.
Identifiers: ClinVar variation 946128 (VCV000946128.11), dbSNP rs28897745, ClinGen allele CA387748612.

ClinVar aggregate classification (germline): Uncertain significance. Review status: criteria provided, multiple submitters, no conflicts (2 of 4 stars). 2 submissions from 2 submitters: Uncertain significance (2). Last evaluated 2026-05-08.

Conditions:
Hereditary cancer-predisposing syndrome. Also called: Hereditary Cancer Syndrome; Neoplastic Syndromes, Hereditary; Tumor predisposition; Hereditary neoplastic syndrome. Identifiers: Orphanet 140162, MedGen C0027672, MeSH D009386, MONDO:0015356.
Hereditary breast ovarian cancer syndrome. Also called: Hereditary breast and ovarian cancer syndrome (HBOC); Hereditary breast and/or ovarian cancer syndrome; BRCA1- and BRCA2-Associated Hereditary Breast and Ovarian Cancer; Hereditary breast and ovarian cancer; Breast and ovarian cancer; Hereditary breast and ovarian cancer syndrome. Identifiers: Orphanet 145, MedGen C0677776, MeSH D061325, MONDO:0003582. Disease mechanism: loss of function.

Submissions (2):

Ambry Genetics
Classification: Uncertain significance for Hereditary cancer-predisposing syndrome. Last evaluated: 2026-05-08. Review status: criteria provided, single submitter. Criteria: Ambry Variant Classification Scheme 2023. Collection method: clinical testing. Allele origin: germline.
Comment: The p.D2665V variant (also known as c.7994A>T), located in coding exon 17 of the BRCA2 gene, results from an A to T substitution at nucleotide position 7994. The aspartic acid at codon 2665 is replaced by valine, an amino acid with highly dissimilar properties. Two saturation genome editing-based studies, including a haploid cell-survival assay and a humanized mouse embryonic stem cell line assay of drug response and survival, demonstrate that this nucleotide substitution is functional (Huang H et al. Nature, 2025 Feb;638:528-537; Sahu S et al. Nature, 2025 Feb;638:538-545). This amino acid position is highly conserved in available vertebrate species. In addition, this alteration is predicted to be deleterious by in silico analysis. Based on the available evidence, the clinical significance of this variant remains unclear.

Labcorp Genetics (formerly Invitae), Labcorp
Classification: Uncertain significance for Hereditary breast ovarian cancer syndrome. Last evaluated: 2023-09-09. Review status: criteria provided, single submitter. Criteria: Invitae Variant Classification Sherloc (09022015). Collection method: clinical testing. Allele origin: germline.
Comment: Advanced modeling of protein sequence and biophysical properties (such as structural, functional, and spatial information, amino acid conservation, physicochemical variation, residue mobility, and thermodynamic stability) has been performed at Invitae for this missense variant, however the output from this modeling did not meet the statistical confidence thresholds required to predict the impact of this variant on BRCA2 protein function. This sequence change replaces aspartic acid, which is acidic and polar, with valine, which is neutral and non-polar, at codon 2665 of the BRCA2 protein (p.Asp2665Val). This variant is not present in population databases (gnomAD no frequency). This variant has not been reported in the literature in individuals affected with BRCA2-related conditions. ClinVar contains an entry for this variant (Variation ID: 946128). In summary, the available evidence is currently insufficient to determine the role of this variant in disease. Therefore, it has been classified as a Variant of Uncertain Significance.

Literature cited by the submitters: PubMed 39779848 (cited by Ambry Genetics); PubMed 39779857 (cited by Ambry Genetics).